The following is an entry in ClinVar:

ClinVar aggregate classification (germline): Likely pathogenic. Review status: criteria provided, multiple submitters, no conflicts (2 of 4 stars). 2 submissions from 2 submitters: Likely pathogenic (2). Last evaluated 2025-04-22.

Conditions:
Autosomal recessive nonsyndromic hearing loss 4 (DFNB4). Also called: FOXI1-Related Pendred Syndrome; KCNJ10-Related Pendred Syndrome; DEAFNESS, AUTOSOMAL RECESSIVE 4, WITH ENLARGED VESTIBULAR AQUEDUCT, DIGENIC; NEUROSENSORY NONSYNDROMIC RECESSIVE DEAFNESS 4; Nonsyndromic enlarged vestibular aqueduct (NSEVA); Deafness, autosomal recessive 4. Identifiers: Orphanet 90636, MedGen C3538946, MONDO:0010933, OMIM 600791.
Pendred syndrome (PDS). Also called: DEAFNESS WITH GOITER; GOITER-DEAFNESS SYNDROME; HYPOTHYROIDISM, CONGENITAL, DUE TO DYSHORMONOGENESIS, 2B; THYROID DYSHORMONOGENESIS 2B; THYROID HORMONOGENESIS, GENETIC DEFECT IN, 2B; Pendred Syndrome (PDS). Identifiers: Orphanet 705, MedGen C0271829, MONDO:0010134, OMIM 274600.

Submissions (2):

Foundation for Research in Genetics and Endocrinology, FRIGE's Institute of Human Genetics
Classification: Likely pathogenic for Autosomal recessive nonsyndromic hearing loss 4. Last evaluated: 2025-04-22. Review status: criteria provided, single submitter. Criteria: ACMG Guidelines, 2015. Collection method: clinical testing. Allele origin: germline. Inheritance: Autosomal recessive inheritance. Affected: yes. Observed: 1 compound heterozygote.
Comment: A heterozygous 5’ splice site variant in intron 16 of the SLC26A4 gene that affects the invariant GT donor splice site downstream of exon 16 (c.1803+1G>T) was detected. The variant has not been reported in the 1000 genomes, gnomAD (v3.1), gnomAD (v2.1) and topmed databases. The reference base is conserved across species. In summary, the variant meets our criteria to be classified as likely pathogenic.

Fulgent Genetics
Classification: Likely pathogenic for Pendred syndrome; Autosomal recessive nonsyndromic hearing loss 4. Last evaluated: 2024-06-20. Review status: criteria provided, single submitter. Criteria: ACMG Guidelines, 2015. Collection method: clinical testing. Allele origin: germline.

NM_000441.2(SLC26A4):c.1803+1G>T

Gene: SLC26A4 (solute carrier family 26 member 4; plus strand). Cytogenetic location: 7q22.3.
Variant type: single nucleotide variant.
Coding change: c.1803+1G>T on transcript NM_000441.2 (MANE Select); the canonical splice donor site of the intron after coding-DNA position 1803, G replaced by T.
Molecular consequence: splice donor variant.
Genome position (GRCh38, 1-based): chr7:107,701,197, G>T. VCF-style: chr7-107701197-G-T. GRCh37 (hg19) VCF-style: chr7-107341642-G-T.
Identifiers: ClinVar variation 3594213 (VCV003594213.1).